The following is an entry in ClinVar:

ClinVar aggregate classification (germline): Pathogenic (1 of 4 stars; one submission).

Conditions:
Treacher Collins syndrome 1 (TCS1). Also called: TCOF1-Related Treacher Collins Syndrome. Identifiers: Orphanet 861, MedGen CN315775, MONDO:0007944, OMIM 154500.

Submission:

Labcorp Genetics (formerly Invitae), Labcorp
Classification: Pathogenic for Treacher Collins syndrome 1. Last evaluated: 2022-02-22. Review status: criteria provided, single submitter. Criteria: Invitae Variant Classification Sherloc (09022015). Collection method: clinical testing. Allele origin: germline.
Comment: For these reasons, this variant has been classified as Pathogenic. This variant has not been reported in the literature in individuals affected with TCOF1-related conditions. This variant is not present in population databases (gnomAD no frequency). This sequence change creates a premature translational stop signal (p.Glu691Glyfs*6) in the TCOF1 gene. It is expected to result in an absent or disrupted protein product. Loss-of-function variants in TCOF1 are known to be pathogenic (PMID: 8894686, 22317976).

Literature cited by the submitters: PubMed 8894686; PubMed 22317976.

NM_001371623.1(TCOF1):c.2072_2073del (p.Glu691fs)

Gene: TCOF1 (treacle ribosome biogenesis factor 1; plus strand). Cytogenetic location: 5q32.
Variant type: Microsatellite.
Coding change: c.2072_2073del on transcript NM_001371623.1 (MANE Select); coding-DNA positions 2072 to 2073, 2 bases deleted (AG; older notation c.2072_2073delAG).
Protein change: p.Glu691fs; shifts the reading frame from glutamic acid 691.
Molecular consequence: frameshift variant.
Genome position (GRCh38, 1-based): chr5:150,376,260-150,376,261, AG deleted; deleting any 2 consecutive bases within chr5:150,376,258-150,376,261 gives the same sequence; the c. name uses the placement nearest the transcript's 3' end. VCF-style (leftmost placement, unchanged base first): chr5-150376257-CAG-C. GRCh37 (hg19) VCF-style: chr5-149755820-CAG-C.
Other names: c.1841_1842del, p.Glu614fs (NM_000356.4, NM_001135245.2); c.2072_2073del, p.Glu691fs (NM_001008657.3, NM_001135243.2, NM_001135244.2 and 1 more transcripts); short protein forms E614fs, E691fs.
Identifiers: ClinVar variation 2101748 (VCV002101748.4), dbSNP rs2533516925, ClinGen allele CA2580614781.